The following is an entry in ClinVar:

NM_201384.3(PLEC):c.12128T>C (p.Leu4043Pro)

Gene: PLEC (plectin; minus strand). Cytogenetic location: 8q24.3.
Variant type: single nucleotide variant.
Coding change: c.12128T>C on transcript NM_201384.3 (MANE Select); coding-DNA position 12128, T replaced by C.
Protein change: p.Leu4043Pro; replaces leucine 4043 with proline.
Molecular consequence: missense variant.
Genome position (GRCh38, 1-based): chr8:143,917,693, A>G on the plus strand (T>C on the coding strand, the complement: PLEC is on the minus strand). VCF-style: chr8-143917693-A-G. GRCh37 (hg19) VCF-style: chr8-144991861-A-G.
Other names: c.12209T>C, p.Leu4070Pro (NM_000445.5); c.8828T>C, p.Leu2943Pro (NM_001410941.1); c.12086T>C, p.Leu4029Pro (NM_201378.4); c.12062T>C, p.Leu4021Pro (NM_201379.3); c.12539T>C, p.Leu4180Pro (NM_201380.4); c.12032T>C, p.Leu4011Pro (NM_201381.3); c.12128T>C, p.Leu4043Pro (NM_201382.4); c.12140T>C, p.Leu4047Pro (NM_201383.3); short protein forms L4011P, L4043P, L4047P, L4180P, L4070P, L2943P, L4021P, L4029P.
Identifiers: ClinVar variation 4782978 (VCV004782978.1).

ClinVar aggregate classification (germline): Uncertain significance (1 of 4 stars; one submission).

Conditions:
Epidermolysis bullosa simplex with nail dystrophy (EBS5D). Identifiers: MedGen C4225309, MONDO:0014661, OMIM 616487.
Epidermolysis bullosa simplex, Ogna type (EBS5A). Also called: Pidermolysis bullosa simplex 5A, Ogna type; EPIDERMOLYSIS BULLOSA SIMPLEX 5A, OGNA TYPE. Identifiers: Orphanet 79401, MedGen C0432317, MONDO:0007555, OMIM 131950.
Epidermolysis bullosa simplex 5B, with muscular dystrophy (EBS5B). Also called: Epidermolysis bullosa simplex with muscular dystrophy; EPIDERMOLYSIS BULLOSA SIMPLEX AND LIMB-GIRDLE MUSCULAR DYSTROPHY. Identifiers: Orphanet 257, MedGen C2931072, MONDO:0009181, OMIM 226670.
Autosomal recessive limb-girdle muscular dystrophy type 2Q (LGMDR17). Also called: MUSCULAR DYSTROPHY, LIMB-GIRDLE, AUTOSOMAL RECESSIVE 17. Identifiers: Orphanet 254361, MedGen C3150989, MONDO:0013390, OMIM 613723.
Epidermolysis bullosa simplex 5C, with pyloric atresia (EBS5C). Also called: PLEC-Related Epidermolysis Bullosa with Pyloric Atresia; Epidermolysis bullosa simplex with pyloric atresia; PLEC1-Related Epidermolysis Bullosa with Pyloric Atresia. Identifiers: Orphanet 158684, MedGen C2677349, MONDO:0012807, OMIM 612138.

Submission:

Labcorp Genetics (formerly Invitae), Labcorp
Classification: Uncertain significance for Autosomal recessive limb-girdle muscular dystrophy type 2Q; Epidermolysis bullosa simplex, Ogna type; Epidermolysis bullosa simplex with nail dystrophy; Epidermolysis bullosa simplex 5C, with pyloric atresia; Epidermolysis bullosa simplex 5B, with muscular dystrophy. Last evaluated: 2025-11-19. Review status: criteria provided, single submitter. Criteria: Invitae Variant Classification Sherloc (09022015). Collection method: clinical testing. Allele origin: germline.
Comment: This sequence change replaces leucine, which is neutral and non-polar, with proline, which is neutral and non-polar, at codon 4070 of the PLEC protein (p.Leu4070Pro). This variant is not present in population databases (gnomAD no frequency). This variant has not been reported in the literature in individuals affected with PLEC-related conditions. Invitae Evidence Modeling of protein sequence and biophysical properties (such as structural, functional, and spatial information, amino acid conservation, physicochemical variation, residue mobility, and thermodynamic stability) indicates that this missense variant is expected to disrupt PLEC protein function with a positive predictive value of 80%. In summary, the available evidence is currently insufficient to determine the role of this variant in disease. Therefore, it has been classified as a Variant of Uncertain Significance.